The following is an entry in ClinVar:

NC_000022.11:g.40346400C>A

Gene: ADSL (adenylosuccinate lyase; plus strand). Cytogenetic location: 22q13.1.
Variant type: single nucleotide variant.
Genome position: GRCh38 VCF-style: chr22-40346400-C-A. GRCh37 (hg19) VCF-style: chr22-40742404-C-A.
Identifiers: ClinVar variation 1424692 (VCV001424692.4), dbSNP rs376911964, ClinGen allele CA753180062.

ClinVar aggregate classification (germline): Uncertain significance (1 of 4 stars; one submission).

Conditions:
Adenylosuccinate lyase deficiency (ADSLD). Also called: ADSL DEFICIENCY. Identifiers: Orphanet 46, MedGen C0268126, MONDO:0007068, OMIM 103050.

Allele frequency attached by ClinVar (database versions not stated): gnomAD 0.00001; gnomAD exomes 0.00001; TOPMed 0.00001.

Submission:

Labcorp Genetics (formerly Invitae), Labcorp
Classification: Uncertain significance for Adenylosuccinate lyase deficiency. Last evaluated: 2022-08-09. Review status: criteria provided, single submitter. Criteria: Invitae Variant Classification Sherloc (09022015). Collection method: clinical testing. Allele origin: germline.
Comment: In summary, the available evidence is currently insufficient to determine the role of this variant in disease. Therefore, it has been classified as a Variant of Uncertain Significance. Experimental studies and prediction algorithms are not available or were not evaluated, and the functional significance of this variant is currently unknown. This variant has not been reported in the literature in individuals affected with ADSL-related conditions. This variant is not present in population databases (gnomAD no frequency). This variant occurs in a non-coding region of the ADSL gene. It does not change the encoded amino acid sequence of the ADSL protein.